The following is an entry in ClinVar:

NM_000996.4(RPL35A):c.21C>T (p.Ser7=)

Genes: DRC9 (dynein regulatory complex subunit 9; minus strand), RPL35A (ribosomal protein L35a; plus strand). Cytogenetic location: 3q29.
Variant type: single nucleotide variant.
Coding change: c.21C>T on transcript NM_000996.4 (MANE Select); coding-DNA position 21, C replaced by T.
Protein change: p.Ser7=; no amino-acid change (serine 7 retained).
Molecular consequence: synonymous variant. On other transcripts: intron variant (3).
Genome position (GRCh38, 1-based): chr3:197,951,168, C>T. VCF-style: chr3-197951168-C-T. GRCh37 (hg19) VCF-style: chr3-197678039-C-T.
Other names: c.21C>T, p.Ser7= (NM_001316311.2); c.-49-7117G>A (NM_001323028.2); c.-59-5482G>A (NM_032263.5); c.-374-5482G>A (NM_001323029.2).
Identifiers: ClinVar variation 344528 (VCV000344528.25), dbSNP rs145660527, ClinGen allele CA2789159.

ClinVar aggregate classification (germline): Benign/Likely benign. Review status: criteria provided, multiple submitters, no conflicts (2 of 4 stars). 8 submissions from 8 submitters: Benign (1); Likely benign (6). 1 of the submissions does not count toward it. Last evaluated 2025-12-23.

Conditions:
RPL35A-related disorder. Also called: RPL35A-related condition.
Diamond-Blackfan anemia 5 (DBA5). Also called: RPL35A-Related Diamond-Blackfan Anemia. Identifiers: Orphanet 124, MedGen C2675859, MONDO:0012925, OMIM 612528.
Diamond-Blackfan anemia. Also called: Blackfan Diamond syndrome; Aregenerative anemia chronic congenital; Red cell aplasia, pure hereditary; Congenital hypoplastic anemia; Aase syndrome. Identifiers: Orphanet 124, MedGen C1260899, MeSH D029503, MONDO:0015253, HP:0004810.

Allele frequency attached by ClinVar (database versions not stated): gnomAD 0.00006 and 0.00011; TOPMed 0.00011; gnomAD exomes 0.00019 and 0.00025; ExAC 0.00026; 1000 Genomes Project 30x 0.00047; 1000 Genomes Project 0.00060.
gnomAD v4.1: 293 of 1,614,016 alleles (0.018%); highest among the groups gnomAD compares: East Asian, 0.61%; no homozygotes.

Submissions (8):

Labcorp Genetics (formerly Invitae), Labcorp
Classification: Benign for Diamond-Blackfan anemia 5. Last evaluated: 2025-12-23. Review status: criteria provided, single submitter. Criteria: Invitae Variant Classification Sherloc (09022015). Collection method: clinical testing. Allele origin: germline.

Blueprint Genetics
Classification: Likely benign. Last evaluated: 2024-02-15. Review status: criteria provided, single submitter. Criteria: ACMG Guidelines, 2015. Collection method: clinical testing. Allele origin: germline.

Fulgent Genetics
Classification: Likely benign for Diamond-Blackfan anemia 5. Last evaluated: 2021-12-23. Review status: criteria provided, single submitter. Criteria: ACMG Guidelines, 2015. Collection method: clinical testing. Allele origin: unknown.

Ambry Genetics
Classification: Likely benign for Diamond-Blackfan anemia. Last evaluated: 2019-10-23. Review status: criteria provided, single submitter. Criteria: Ambry Variant Classification Scheme 2023. Collection method: clinical testing. Allele origin: germline.

Illumina Laboratory Services, Illumina
Classification: Likely benign for Diamond-Blackfan anemia 5. Last evaluated: 2017-04-27. Review status: criteria provided, single submitter. Criteria: ICSL Variant Classification Criteria 13 December 2019. Collection method: clinical testing. Allele origin: germline.
Comment: This variant was observed as part of a predisposition screen in an ostensibly healthy population. A literature search was performed for the gene, cDNA change, and amino acid change (where applicable). No publications were found based on this search. Allele frequency data from public databases allowed determination this variant is unlikely to cause disease. Therefore, this variant is classified as likely benign.

Genetic Services Laboratory, University of Chicago
Classification: Likely benign. Last evaluated: 2017-02-07. Review status: criteria provided, single submitter. Criteria: ACMG Guidelines, 2015. Collection method: clinical testing. Allele origin: germline. Affected: no.

Breakthrough Genomics
Classification: Likely benign. Review status: criteria provided, single submitter. Criteria: ACMG Guidelines, 2015. Collection method: not provided. Allele origin: germline. Inheritance: Autosomal dominant inheritance. Affected: yes.

PreventionGenetics, part of Exact Sciences
Classification: Likely benign for RPL35A-related condition. Last evaluated: 2020-05-05. Review status: no assertion criteria provided. Collection method: clinical testing. Allele origin: germline. Not counted in ClinVar's aggregate classification.
Comment: This variant is classified as likely benign based on ACMG/AMP sequence variant interpretation guidelines (Richards et al. 2015 PMID: 25741868, with internal and published modifications).